The following is an entry in ClinVar:

NM_007373.4(SHOC2):c.704-16G>T

Gene: SHOC2 (SHOC2 leucine rich repeat scaffold protein; plus strand). Cytogenetic location: 10q25.2.
Variant type: single nucleotide variant.
Coding change: c.704-16G>T on transcript NM_007373.4 (MANE Select); 16 bases into the intron before coding-DNA position 704, G replaced by T.
Molecular consequence: intron variant.
Genome position (GRCh38, 1-based): chr10:110,985,612, G>T. VCF-style: chr10-110985612-G-T. GRCh37 (hg19) VCF-style: chr10-112745370-G-T.
Other names: c.704-16G>T (NM_001324336.2, NM_001324337.2); c.704-14803G>T (NM_001269039.3).
Identifiers: ClinVar variation 139106 (VCV000139106.18), dbSNP rs185614302, ClinGen allele CA293479.
Genomic context (GRCh38, chr10:110,985,612, plus strand): 5'-ATTTTCTTGCTTAGAAGTATTATCTAGTATGTTCTTTAATAATGCTTATTGAATTTTTAT[G>T]TTGGTCAATTTACAGGTGAATTATGTAACCTCATTACGCTGGATGTAGCTCACAATCAAC-3'

ClinVar aggregate classification (germline): Benign/Likely benign. Review status: criteria provided, multiple submitters, no conflicts (2 of 4 stars). 6 submissions from 6 submitters: Benign (4); Likely benign (2). Last evaluated 2026-01-31.

Conditions:
RASopathy. Also called: rasopathies; Noonan spectrum disorder. Identifiers: Orphanet 536391, MedGen C5555857, MONDO:0021060.
Noonan syndrome-like disorder with loose anagen hair 1 (NSLH1). Also called: TOSTI SYNDROME; MAZZANTI SYNDROME. Identifiers: Orphanet 2701, MedGen C4478716, MONDO:0054637, OMIM 607721.

Allele frequency attached by ClinVar (database versions not stated): gnomAD 0.00033; 1000 Genomes Project 30x 0.00047; 1000 Genomes Project 0.00060; TOPMed 0.00078; ExAC 0.00106; gnomAD exomes 0.00140.
gnomAD v4.1: 426 of 1,594,032 alleles (0.027%); highest among the groups gnomAD compares: Admixed American, 0.69%; 2 homozygotes.

Submissions (6):

Labcorp Genetics (formerly Invitae), Labcorp
Classification: Benign for RASopathy. Last evaluated: 2026-01-31. Review status: criteria provided, single submitter. Criteria: Invitae Variant Classification Sherloc (09022015). Collection method: clinical testing. Allele origin: germline.

Blueprint Genetics
Classification: Likely benign. Last evaluated: 2024-03-15. Review status: criteria provided, single submitter. Criteria: ACMG Guidelines, 2015. Collection method: clinical testing. Allele origin: germline.

ARUP Laboratories, Molecular Genetics and Genomics, ARUP Laboratories
Classification: Benign for Noonan syndrome-like disorder with loose anagen hair 1. Last evaluated: 2021-09-13. Review status: criteria provided, single submitter. Criteria: ARUP Molecular Germline Variant Investigation Process 2021. Collection method: clinical testing. Allele origin: germline.

Women's Health and Genetics/Laboratory Corporation of America, LabCorp
Classification: Benign. Last evaluated: 2019-09-01. Review status: criteria provided, single submitter. Criteria: LabCorp Variant Classification Summary - May 2015. Collection method: clinical testing. Allele origin: germline.
Comment: Variant summary: SHOC2 c.704-16G>T alters a non-conserved nucleotide located close to a canonical splice site and therefore could affect mRNA splicing, leading to a significantly altered protein sequence. 4/4 computational tools predict no significant impact on normal splicing. However, these predictions have yet to be confirmed by functional studies. The variant allele was found at a frequency of 0.0014 in 250888 control chromosomes in the gnomAD database, including 1 homozygote. The observed variant frequency is approximately 56 fold of the estimated maximal expected allele frequency for a pathogenic variant in SHOC2 causing Noonan Syndrome and Related Conditions phenotype (2.5e-05), strongly suggesting that the variant is benign. To our knowledge, no occurrence of c.704-16G>T in individuals affected with Noonan Syndrome and Related Conditions and no experimental evidence demonstrating its impact on protein function have been reported. No clinical diagnostic laboratories have submitted clinical-significance assessments for this variant to ClinVar after 2014. Based on the evidence outlined above, the variant was classified as benign.

GeneDx
Classification: Benign. Last evaluated: 2013-09-08. Review status: criteria provided, single submitter. Criteria: GeneDx Variant Classification (06012015). Collection method: clinical testing. Allele origin: germline. Affected: yes.
Comment: This variant is considered likely benign or benign based on one or more of the following criteria: it is a conservative change, it occurs at a poorly conserved position in the protein, it is predicted to be benign by multiple in silico algorithms, and/or has population frequency not consistent with disease.

PreventionGenetics, part of Exact Sciences
Classification: Likely benign. Review status: criteria provided, single submitter. Criteria: ACMG Guidelines, 2015. Collection method: clinical testing. Allele origin: germline.